The following is an entry in ClinVar:

ClinVar aggregate classification (germline): Uncertain significance (1 of 4 stars; one submission).

Allele frequency attached by ClinVar (database versions not stated): ExAC 0.00001; gnomAD exomes 0.00001 and 0.00003.
gnomAD v4.1: 40 of 1,608,984 alleles (0.0025%); highest among the groups gnomAD compares: Non-Finnish European, 0.0033%; no homozygotes.

Submission:

GeneDx
Classification: Uncertain significance. Last evaluated: 2019-12-16. Review status: criteria provided, single submitter. Criteria: GeneDx Variant Classification Process June 2021. Collection method: clinical testing. Allele origin: germline. Affected: yes.
Comment: Not observed at a significant frequency in large population cohorts (Lek et al., 2016); In silico analysis, which includes protein predictors and evolutionary conservation, supports a deleterious effect; Has not been previously published as pathogenic or benign to our knowledge

NM_006514.4(SCN10A):c.1844G>A (p.Ser615Asn)

Gene: SCN10A (sodium voltage-gated channel alpha subunit 10; minus strand). Cytogenetic location: 3p22.2.
Variant type: single nucleotide variant.
Coding change: c.1844G>A on transcript NM_006514.4 (MANE Select); coding-DNA position 1844, G replaced by A.
Protein change: p.Ser615Asn; replaces serine 615 with asparagine.
Molecular consequence: missense variant.
Genome position (GRCh38, 1-based): chr3:38,750,096, C>T on the plus strand (G>A on the coding strand, the complement: SCN10A is on the minus strand). VCF-style: chr3-38750096-C-T. GRCh37 (hg19) VCF-style: chr3-38791587-C-T.
Other names: c.1844G>A, p.Ser615Asn (NM_001293306.2); c.1550G>A, p.Ser517Asn (NM_001293307.2); short protein forms S517N, S615N.
Identifiers: ClinVar variation 1310566 (VCV001310566.2), dbSNP rs776994087, ClinGen allele CA2320735.